The following is an entry in ClinVar:

ClinVar aggregate classification (germline): Benign/Likely benign. Review status: criteria provided, multiple submitters, no conflicts (2 of 4 stars). 7 submissions from 7 submitters: Benign (6); Likely benign (1). Last evaluated 2026-02-03.

Conditions:
Congenital contractural arachnodactyly (CCA). Also called: Beals-Hecht syndrome; Arthrogryposis, distal, type 9; BEALS SYNDROME. Identifiers: Orphanet 115, MedGen C0220668, MONDO:0007363, OMIM 121050.

Allele frequency attached by ClinVar (database versions not stated): ESP Exome Variant Server 0.00038; gnomAD exomes 0.00058 and 0.00248; gnomAD 0.00101 and 0.00133; TOPMed 0.00150; ExAC 0.00234; 1000 Genomes Project 30x 0.00593; 1000 Genomes Project 0.00679.
gnomAD v4.1: 1,109 of 1,613,722 alleles (0.069%); highest among the groups gnomAD compares: East Asian, 2%; 18 homozygotes.

Submissions (7):

Labcorp Genetics (formerly Invitae), Labcorp
Classification: Benign for Congenital contractural arachnodactyly. Last evaluated: 2026-02-03. Review status: criteria provided, single submitter. Criteria: Invitae Variant Classification Sherloc (09022015). Collection method: clinical testing. Allele origin: germline.

ARUP Laboratories, Molecular Genetics and Genomics, ARUP Laboratories
Classification: Benign. Last evaluated: 2025-05-29. Review status: criteria provided, single submitter. Criteria: ARUP Molecular Germline Variant Investigation Process 2024. Collection method: clinical testing. Allele origin: germline.

Women's Health and Genetics/Laboratory Corporation of America, LabCorp
Classification: Benign. Last evaluated: 2024-10-27. Review status: criteria provided, single submitter. Criteria: LabCorp Variant Classification Summary - May 2015. Collection method: clinical testing. Allele origin: germline.

Blueprint Genetics
Classification: Likely benign. Last evaluated: 2024-10-08. Review status: criteria provided, single submitter. Criteria: ACMG Guidelines, 2015. Collection method: clinical testing. Allele origin: germline.

Illumina Laboratory Services, Illumina
Classification: Benign for Congenital contractural arachnodactyly. Last evaluated: 2018-01-13. Review status: criteria provided, single submitter. Criteria: ICSL Variant Classification Criteria 13 December 2019. Collection method: clinical testing. Allele origin: germline.
Comment: This variant was observed in the ICSL laboratory as part of a predisposition screen in an ostensibly healthy population. It had not been previously curated by ICSL or reported in the Human Gene Mutation Database (HGMD: prior to June 1st, 2018), and was therefore a candidate for classification through an automated scoring system. Utilizing variant allele frequency, disease prevalence and penetrance estimates, and inheritance mode, an automated score was calculated to assess if this variant is too frequent to cause the disease. Based on the score and internal cut-off values, a variant classified as benign is not then subjected to further curation. The score for this variant resulted in a classification of benign for this disease.

GeneDx
Classification: Benign. Last evaluated: 2014-05-15. Review status: criteria provided, single submitter. Criteria: GeneDx Variant Classification (06012015). Collection method: clinical testing. Allele origin: germline. Affected: yes.
Comment: This variant is considered likely benign or benign based on one or more of the following criteria: it is a conservative change, it occurs at a poorly conserved position in the protein, it is predicted to be benign by multiple in silico algorithms, and/or has population frequency not consistent with disease.

PreventionGenetics, part of Exact Sciences
Classification: Benign. Review status: criteria provided, single submitter. Criteria: ACMG Guidelines, 2015. Collection method: clinical testing. Allele origin: germline.

NM_001999.4(FBN2):c.4222+12A>G

Gene: FBN2 (fibrillin 2; minus strand). Cytogenetic location: 5q23.3.
Variant type: single nucleotide variant.
Coding change: c.4222+12A>G on transcript NM_001999.4 (MANE Select); 12 bases into the intron after coding-DNA position 4222, A replaced by G.
Molecular consequence: intron variant.
Genome position (GRCh38, 1-based): chr5:128,332,900, T>C on the plus strand (A>G on the coding strand, the complement: FBN2 is on the minus strand). VCF-style: chr5-128332900-T-C. GRCh37 (hg19) VCF-style: chr5-127668592-T-C.
Identifiers: ClinVar variation 137329 (VCV000137329.16), dbSNP rs79445561, ClinGen allele CA290871.